The following is an entry in ClinVar:

NM_000632.4(ITGAM):c.1182A>C (p.Arg394Ser)

Gene: ITGAM (integrin subunit alpha M; plus strand). Cytogenetic location: 16p11.2.
Variant type: single nucleotide variant.
Coding change: c.1182A>C on transcript NM_000632.4 (MANE Select); coding-DNA position 1182, A replaced by C.
Protein change: p.Arg394Ser; replaces arginine 394 with serine.
Molecular consequence: missense variant.
Genome position (GRCh38, 1-based): chr16:31,277,018, A>C. VCF-style: chr16-31277018-A-C. GRCh37 (hg19) VCF-style: chr16-31288339-A-C.
Other names: c.1182A>C, p.Arg394Ser (NM_001145808.2); short protein forms R394S.
Identifiers: ClinVar variation 3715250 (VCV003715250.2).

ClinVar aggregate classification (germline): Uncertain significance (1 of 4 stars; one submission).

gnomAD v4.1: 2 of 1,612,878 alleles (0.00012%); highest among the groups gnomAD compares: Admixed American, 0.0017%; no homozygotes.

Submission:

Labcorp Genetics (formerly Invitae), Labcorp
Classification: Uncertain significance. Last evaluated: 2024-09-05. Review status: criteria provided, single submitter. Criteria: Invitae Variant Classification Sherloc (09022015). Collection method: clinical testing. Allele origin: germline.
Comment: This sequence change replaces arginine, which is basic and polar, with serine, which is neutral and polar, at codon 394 of the ITGAM protein (p.Arg394Ser). This variant is present in population databases (no rsID available, gnomAD 0.0009%). This variant has not been reported in the literature in individuals affected with ITGAM-related conditions. An algorithm developed to predict the effect of missense changes on protein structure and function (PolyPhen-2) suggests that this variant is likely to be disruptive. In summary, the available evidence is currently insufficient to determine the role of this variant in disease. Therefore, it has been classified as a Variant of Uncertain Significance.